The following is an entry in ClinVar:

NM_000021.4(PSEN1):c.679A>G (p.Ile227Val)

Gene: PSEN1 (presenilin 1; plus strand). Cytogenetic location: 14q24.2.
Variant type: single nucleotide variant.
Coding change: c.679A>G on transcript NM_000021.4 (MANE Select); coding-DNA position 679, A replaced by G.
Protein change: p.Ile227Val; replaces isoleucine 227 with valine.
Molecular consequence: missense variant.
Genome position (GRCh38, 1-based): chr14:73,192,774, A>G. VCF-style: chr14-73192774-A-G. GRCh37 (hg19) VCF-style: chr14-73659482-A-G.
Other names: c.667A>G, p.Ile223Val (NM_007318.3); short protein forms I223V, I227V.
Identifiers: ClinVar variation 2048200 (VCV002048200.4), dbSNP rs199842082, ClinGen allele CA7256799.

ClinVar aggregate classification (germline): Uncertain significance (1 of 4 stars; one submission).

Conditions:
Alzheimer disease 3 (AD3). Also called: ALZHEIMER DISEASE, FAMILIAL, 3. Identifiers: Orphanet 1020, MedGen C1843013, MONDO:0011913, OMIM 607822.
Acne inversa, familial, 3 (ACNINV3). Identifiers: MedGen C3151038, MONDO:0013398, OMIM 613737.
Pick disease. Also called: LOBAR ATROPHY OF BRAIN; PICK DISEASE OF BRAIN; DEMENTIA WITH LOBAR ATROPHY AND NEURONAL CYTOPLASMIC INCLUSIONS; Pick's disease; Pick Disease of the Brain. Identifiers: Orphanet 282, MedGen C0236642, MONDO:0008243, OMIM 172700.
Frontotemporal dementia (FTD1). Also called: WILHELMSEN-LYNCH DISEASE; Dementia, frontotemporal, with or without parkinsonism; FRONTOTEMPORAL DEMENTIA WITH PARKINSONISM; FRONTOTEMPORAL LOBE DEMENTIA; MULTIPLE SYSTEM TAUOPATHY WITH PRESENILE DEMENTIA; Frontotemporal Dementia with Parkinsonism-17 (FTDP-17). Identifiers: Orphanet 282, MedGen C0338451, MONDO:0017276, OMIM 600274, HP:0002145.

Allele frequency attached by ClinVar (database versions not stated): TOPMed 0.00001; ExAC 0.00001; gnomAD 0.00002; gnomAD exomes 0.00009; 1000 Genomes Project 0.00020; 1000 Genomes Project 30x 0.00031.
gnomAD v4.1: 119 of 1,538,396 alleles (0.0077%); highest among the groups gnomAD compares: Non-Finnish European, 0.011%; no homozygotes.

Submission:

Labcorp Genetics (formerly Invitae), Labcorp
Classification: Uncertain significance for Alzheimer disease 3; Pick disease; Acne inversa, familial, 3; Frontotemporal dementia. Last evaluated: 2022-08-09. Review status: criteria provided, single submitter. Criteria: Invitae Variant Classification Sherloc (09022015). Collection method: clinical testing. Allele origin: germline.
Comment: Advanced modeling of protein sequence and biophysical properties (such as structural, functional, and spatial information, amino acid conservation, physicochemical variation, residue mobility, and thermodynamic stability) performed at Invitae indicates that this missense variant is expected to disrupt PSEN1 protein function. This missense change has been observed in individual(s) with early-onset dementia (PMID: 30279455). This variant is present in population databases (rs199842082, gnomAD 0.003%). This sequence change replaces isoleucine, which is neutral and non-polar, with valine, which is neutral and non-polar, at codon 227 of the PSEN1 protein (p.Ile227Val). In summary, the available evidence is currently insufficient to determine the role of this variant in disease. Therefore, it has been classified as a Variant of Uncertain Significance.

Literature cited by the submitters: PubMed 30279455.